The following is an entry in ClinVar:

NM_001242896.3(DEPDC5):c.829C>T (p.Leu277Phe)

Gene: DEPDC5 (DEP domain containing 5, GATOR1 subcomplex subunit; plus strand). Cytogenetic location: 22q12.2.
Variant type: single nucleotide variant.
Coding change: c.829C>T on transcript NM_001242896.3 (MANE Select); coding-DNA position 829, C replaced by T.
Protein change: p.Leu277Phe; replaces leucine 277 with phenylalanine.
Molecular consequence: missense variant. On other transcripts: non-coding transcript variant (5).
Genome position (GRCh38, 1-based): chr22:31,797,661, C>T. VCF-style: chr22-31797661-C-T. GRCh37 (hg19) VCF-style: chr22-32193647-C-T.
Other names: c.829C>T (NM_001242896.1); c.829C>T, p.Leu277Phe (NM_001007188.4, NM_001136029.4, NM_001242897.2 and 7 more transcripts); c.745C>T, p.Leu249Phe (NM_001369901.1, NM_001369902.1); short protein forms L249F, L277F.
Identifiers: ClinVar variation 1007024 (VCV001007024.14), dbSNP rs778656662, ClinGen allele CA10196124.
Genomic context (GRCh38, chr22:31,797,661, plus strand): 5'-GTGGTGGTGCAGAATGAGAGAAGAGAAGAATGGACTTCACTTCTCGTAACCATTAAAAAA[C>T]TCTTCATCCAGTATCCAGTGTTGGTGCGACTGGAACAGGCAGGTACTGCATTCATGTAAT-3'
Protein context (NP_001229825.1, residues 267-287): WTSLLVTIKK[Leu277Phe]FIQYPVLVRL

ClinVar aggregate classification (germline): Uncertain significance. Review status: criteria provided, multiple submitters, no conflicts (2 of 4 stars). 5 submissions from 5 submitters: Uncertain significance (5). Last evaluated 2025-11-28.

Conditions:
Inborn genetic diseases. Identifiers: MedGen C0950123, MeSH D030342.
Familial focal epilepsy with variable foci (FPEVF). Identifiers: Orphanet 98820, MedGen C1858477, MONDO:0020310.
Epilepsy, familial focal, with variable foci 1 (FFEVF1). Also called: DEPDC5-Related Epilepsy. Identifiers: MedGen C4551983, MONDO:0024556, OMIM 604364.

Submissions (5):

Labcorp Genetics (formerly Invitae), Labcorp
Classification: Uncertain significance for Familial focal epilepsy with variable foci. Last evaluated: 2025-11-28. Review status: criteria provided, single submitter. Criteria: Invitae Variant Classification Sherloc (09022015). Collection method: clinical testing. Allele origin: germline.
Comment: This sequence change replaces leucine, which is neutral and non-polar, with phenylalanine, which is neutral and non-polar, at codon 277 of the DEPDC5 protein (p.Leu277Phe). This variant is present in population databases (rs778656662, gnomAD 0.03%). This variant has not been reported in the literature in individuals affected with DEPDC5-related conditions. ClinVar contains an entry for this variant (Variation ID: 1007024). Experimental studies and prediction algorithms are not available or were not evaluated, and the functional significance of this variant is currently unknown. In summary, the available evidence is currently insufficient to determine the role of this variant in disease. Therefore, it has been classified as a Variant of Uncertain Significance.

Ambry Genetics
Classification: Uncertain significance for Inborn genetic diseases. Last evaluated: 2025-08-06. Review status: criteria provided, single submitter. Criteria: Ambry Variant Classification Scheme 2023. Collection method: clinical testing. Allele origin: germline.

GeneDx
Classification: Uncertain significance. Last evaluated: 2024-08-07. Review status: criteria provided, single submitter. Criteria: GeneDx Variant Classification Process June 2021. Collection method: clinical testing. Allele origin: germline. Affected: yes.
Comment: In silico analysis supports that this missense variant has a deleterious effect on protein structure/function; Has not been previously published as pathogenic or benign to our knowledge

Revvity Omics, Revvity
Classification: Uncertain significance. Last evaluated: 2019-03-22. Review status: criteria provided, single submitter. Criteria: ACMG Guidelines, 2015. Collection method: clinical testing. Allele origin: germline.

Neuberg Centre For Genomic Medicine, NCGM
Classification: Uncertain significance for Epilepsy, familial focal, with variable foci 1. Review status: criteria provided, single submitter. Criteria: ACMG Guidelines, 2015. Collection method: clinical testing. Allele origin: germline. Inheritance: Autosomal dominant inheritance. Affected: yes.
Comment: The missense c.829C>Tp.Leu277Phe variant in DEPDC5 gene has not been reported previously as a pathogenic variant nor as a benign variant, to our knowledge. The variant has been reported with allele frequency of 0.004% in gnomAD Exomes and is novel not in any individuals in 1000 Genomes database. This variant has been reported to the ClinVar database as Uncertain significance. The amino acid change p.Leu277Phe in DEPDC5 is predicted as conserved by GERP++ and PhyloP across 100 vertebrates. The amino acid Leu at position 277 is changed to a Phe changing protein sequence and it might alter its composition and physico-chemical properties. For these reasons, this variant has been classified as Variant of Uncertain Significance VUS.